The following is an entry in ClinVar:

NM_031407.7(HUWE1):c.6306C>G (p.Ile2102Met)

Gene: HUWE1 (HECT, UBA and WWE domain containing E3 ubiquitin protein ligase 1; minus strand). Cytogenetic location: Xp11.22.
Variant type: single nucleotide variant.
Coding change: c.6306C>G on transcript NM_031407.7 (MANE Select); coding-DNA position 6306, C replaced by G.
Protein change: p.Ile2102Met; replaces isoleucine 2102 with methionine.
Molecular consequence: missense variant.
Genome position (GRCh38, 1-based): chrX:53,573,756, G>C on the plus strand (C>G on the coding strand, the complement: HUWE1 is on the minus strand). VCF-style: chrX-53573756-G-C. GRCh37 (hg19) VCF-style: chrX-53600716-G-C.
Other names: short protein forms I2102M.
Identifiers: ClinVar variation 2581724 (VCV002581724.1), dbSNP rs2524703576, ClinGen allele CA413167567.

ClinVar aggregate classification (germline): Uncertain significance (1 of 4 stars; one submission).

Allele frequency attached by ClinVar (database versions not stated): gnomAD exomes below 0.00001.
gnomAD v4.1: 1 of 1,200,101 alleles (0.000083%); highest among the groups gnomAD compares: Non-Finnish European, 0.00011%; no homozygotes.

Submission:

GeneDx
Classification: Uncertain significance. Last evaluated: 2023-04-02. Review status: criteria provided, single submitter. Criteria: GeneDx Variant Classification Process June 2021. Collection method: clinical testing. Allele origin: germline. Affected: yes.
Comment: Not observed at significant frequency in large population cohorts (gnomAD); In silico analysis supports that this missense variant does not alter protein structure/function; Has not been previously published as pathogenic or benign to our knowledge